The following is an entry in ClinVar:

ClinVar aggregate classification (germline): Conflicting classifications of pathogenicity. Review status: criteria provided, conflicting classifications (1 of 4 stars). 18 submissions from 16 submitters: Uncertain significance (13); Benign (1); Likely benign (4). Last evaluated 2026-06-22.

Conditions:
DSP-related disorder. Also called: DSP-related condition; DSP-related disorders.
Cardiovascular phenotype. Identifiers: MedGen CN230736.
Arrhythmogenic cardiomyopathy with wooly hair and keratoderma. Also called: Carvajal syndrome; Dilated cardiomyopathy with woolly hair and keratoderma; PALMOPLANTAR KERATODERMA WITH LEFT VENTRICULAR CARDIOMYOPATHY AND WOOLLY HAIR; Arrhythmogenic cardiomyopathy with woolly hair and keratoderma. Identifiers: Orphanet 65282, MedGen C1854063, MONDO:0011581, OMIM 605676.
Arrhythmogenic right ventricular dysplasia 8 (ARVD8). Also called: Arrhythmogenic Right Ventricular Dysplasia/Cardiomyopathy 8; ARRHYTHMOGENIC RIGHT VENTRICULAR CARDIOMYOPATHY 8; ARRHYTHMOGENIC RIGHT VENTRICULAR DYSPLASIA, FAMILIAL, 8. Identifiers: MedGen C1843896, MONDO:0011831, OMIM 607450.
Woolly hair-skin fragility syndrome (WHSF). Identifiers: Orphanet 293165, MedGen C1843292, MONDO:0957307, OMIM 620415.
Lethal acantholytic epidermolysis bullosa (EBLA). Identifiers: Orphanet 158687, MedGen C1864826, MONDO:0012323, OMIM 609638.
Cardiomyopathy (CMYO). Also called: Cardiomyopathies. Identifiers: Orphanet 167848, MedGen C0878544, MONDO:0004994, HP:0001638. Inheritance: Various modes of inheritance.
Long QT syndrome (LQTS). Identifiers: MedGen C0023976, MeSH D008133, MONDO:0002442. Disease mechanism: loss of function. Inheritance: Various modes of inheritance.

Allele frequency attached by ClinVar (database versions not stated): gnomAD 0.00014 and 0.00019; TOPMed 0.00019; 1000 Genomes Project 0.00040; gnomAD exomes 0.00027; 1000 Genomes Project 30x 0.00031; ESP Exome Variant Server 0.00031.

Submissions 1 to 9 of 18:

Women's Health and Genetics/Laboratory Corporation of America, LabCorp
Classification: Likely benign. Last evaluated: 2026-06-22. Review status: criteria provided, single submitter. Criteria: LabCorp Variant Classification Summary - May 2015. Collection method: clinical testing. Allele origin: germline.
Comment: Variant summary: DSP c.3862A>C (p.Lys1288Gln) results in a conservative amino acid change in the encoded protein sequence. Algorithms developed to predict the effect of missense changes on protein structure and function are either unavailable or do not agree on the potential impact of this missense change. The variant allele was found at a frequency of 0.00027 in 250916 control chromosomes (gnomAD). The observed variant frequency exceeds the estimated maximal expected allele frequency for disease-causing variants in DSP. To our knowledge, no occurrence of c.3862A>C in individuals affected with DSP-related conditions and no experimental evidence demonstrating its impact on protein function have been reported. ClinVar contains an entry for this variant (Variation ID: 178030). Based on the evidence outlined above, the variant was classified as likely benign.

Labcorp Genetics (formerly Invitae), Labcorp
Classification: Benign for Arrhythmogenic cardiomyopathy with wooly hair and keratoderma; Arrhythmogenic right ventricular dysplasia 8. Last evaluated: 2026-01-19. Review status: criteria provided, single submitter. Criteria: Invitae Variant Classification Sherloc (09022015). Collection method: clinical testing. Allele origin: germline.

PreventionGenetics, part of Exact Sciences
Classification: Uncertain significance for DSP-related condition. Last evaluated: 2025-08-21. Review status: criteria provided, single submitter. Criteria: ACMG Guidelines, 2015. Collection method: clinical testing. Allele origin: germline.
Comment: The DSP c.3862A>C variant is predicted to result in the amino acid substitution p.Lys1288Gln. This variant has been reported in an individual with arrhythmogenic right ventricular cardiomyopathy, in an individual affected with congestive heart failure, and in an individual with primary electrical disease (Table S3, Bao et al. 2013. PubMed ID: 24125834; Table S2, Ye et al. 2019. PubMed ID: 31402444; Proost et al. 2017. PubMed ID: 28341588). This variant is reported in 0.050% of alleles in individuals of East Asian descent in gnomAD, which may be too frequent to be a primary cause of disease. At this time, the clinical significance of this variant is uncertain due to the absence of conclusive functional and genetic evidence.

Revvity Omics, Revvity
Classification: Uncertain significance. Last evaluated: 2025-06-24. Review status: criteria provided, single submitter. Criteria: ACMG Guidelines, 2015. Collection method: clinical testing. Allele origin: germline.

Blueprint Genetics
Classification: Likely benign. Last evaluated: 2024-11-23. Review status: criteria provided, single submitter. Criteria: ACMG Guidelines, 2015. Collection method: clinical testing. Allele origin: germline.

All of Us Research Program, National Institutes of Health
Classification: Uncertain significance for Arrhythmogenic cardiomyopathy with wooly hair and keratoderma. Last evaluated: 2024-09-11. Review status: criteria provided, single submitter. Criteria: ACMG Guidelines, 2015. Collection method: clinical testing. Allele origin: germline. Inheritance: Autosomal dominant inheritance. Observed: 68 variant alleles, 68 heterozygotes.
Comment: This missense variant replaces lysine with glutamine at codon 1288 of the DSP protein. Computational prediction suggests that this variant may have deleterious impact on protein structure and function (internally defined REVEL score threshold >= 0.7, PMID: 27666373). To our knowledge, functional studies have not been reported for this variant. This variant has been reported in an individual affected with arrhythmogenic right ventricular cardiomyopathy (PMID: 24125834) and in an individual affected with cardiac arrhythmia (PMID: 28341588). This variant has also been identified in 71/282292 chromosomes in the general population by the Genome Aggregation Database (gnomAD). The available evidence is insufficient to determine the role of this variant in disease conclusively. Therefore, this variant is classified as a Variant of Uncertain Significance.

This study involves interpretation of variants in research participants for the purpose of population health screening. Participant phenotype was not available at the time of variant classification. Additional details can be found in publication PMID: 35346344, PMCID: PMC8962531

Color Diagnostics, LLC DBA Color Health
Classification: Uncertain significance for Cardiomyopathy. Last evaluated: 2024-02-29. Review status: criteria provided, single submitter. Criteria: ACMG Guidelines, 2015. Collection method: clinical testing. Allele origin: germline.
Comment: This missense variant replaces lysine with glutamine at codon 1288 of the DSP protein. Computational prediction suggests that this variant may have deleterious impact on protein structure and function (internally defined REVEL score threshold >= 0.7, PMID: 27666373). To our knowledge, functional studies have not been reported for this variant. This variant has been reported in an individual affected with arrhythmogenic right ventricular cardiomyopathy (PMID: 24125834) and in an individual affected with cardiac arrhythmia (PMID: 28341588). This variant has also been identified in 71/282292 chromosomes in the general population by the Genome Aggregation Database (gnomAD). The available evidence is insufficient to determine the role of this variant in disease conclusively. Therefore, this variant is classified as a Variant of Uncertain Significance.

Dept of Medical Biology, Uskudar University
Classification: Uncertain significance for Long QT syndrome. Last evaluated: 2024-01-08. Review status: criteria provided, single submitter. Criteria: Dept of Medical Biology Variant Classification. Collection method: research. Allele origin: paternal. Affected: yes. Observed: 1 variant allele.
Comment: Criteria: BS1

Victorian Clinical Genetics Services, Murdoch Childrens Research Institute
Classification: Uncertain significance for Arrhythmogenic right ventricular dysplasia 8. Last evaluated: 2022-02-02. Review status: criteria provided, single submitter. Criteria: ACMG Guidelines, 2015. Collection method: clinical testing. Allele origin: germline. Inheritance: Autosomal dominant inheritance. Affected: yes.
Comment: Based on the classification scheme VCGS_Germline_v1.3.4, this variant is classified as VUS-3C. Following criteria are met: 0102 - Loss of function is a known mechanism of disease in this gene and is associated with ARVC (MIM#607450) and other DSP-related cardiac disorders. (I) 0108 - This gene is associated with both recessive and dominant disease. Variants in this gene are usually inherited in a dominant manner, however rare reports of recessive inheritance have resulted in a more severe cardiac phenotype (OMIM). (I) 0115 - Variants in this gene are known to have variable expressivity. Age-dependent penetrance and variable expressivity are well-described aspects of arrhythmogenic cardiomyopathy (PMID: 29062697). (I) 0200 - Variant is predicted to result in a missense amino acid change from lysine to glutamine. (I) 0219 - This variant is non-coding in an alternative transcript. This variant is coding in the cardiac specific isoform DSPI but non-coding in DSPII which is the isoform regulating keratinocyte adhesion (PMID: 20524011, PMID: 30382575). (I) 0251 - This variant is heterozygous. (I) 0304 - Variant is present in gnomAD (v2) <0.01 (71 heterozygotes, 0 homozygotes). (SP) 0309 - Two alternative amino acid changes at the same position have been observed in gnomAD (v3) (highest allele count: 5 heterozygotes, 0 homozygotes). (I) 0503 - Missense variant consistently predicted to be tolerated by multiple in silico tools or not conserved in placental mammals with a minor amino acid change. (SB) 0600 - Variant is located in the annotated central fibrous rod domain (UniProt). (I) 0710 - Other missense variants comparable to the one identified in this case have inconclusive previous evidence for pathogenicity. Two different variants in the same codon resulting in changes to arginine and asparagine have both been reported as VUS in ClinVar. (I) 0809 - Previous evidence of pathogenicity for this variant is inconclusive. This variant has been reported multiple times as a VUS in ClinVar and also in an individual with ARVC (PMID: 24125834) and another individual with primary electric disease (PED). The individual with PED also had a variant in DSG2 (PMID: 28341588). (I) 0905 - No published segregation evidence has been identified for this variant. (I) 1007 - No published functional evidence has been identified for this variant. (I) 1208 - Inheritance information for this variant is not currently available in this individual. (I) Legend: (SP) - Supporting pathogenic, (I) - Information, (SB) - Supporting benign

NM_004415.4(DSP):c.3862A>C (p.Lys1288Gln)

Gene: DSP (desmoplakin; plus strand). Cytogenetic location: 6p24.3.
Variant type: single nucleotide variant.
Coding change: c.3862A>C on transcript NM_004415.4 (MANE Select); coding-DNA position 3862, A replaced by C.
Protein change: p.Lys1288Gln; replaces lysine 1288 with glutamine.
Molecular consequence: missense variant. On other transcripts: intron variant (1).
Genome position (GRCh38, 1-based): chr6:7,580,052, A>C. VCF-style: chr6-7580052-A-C. GRCh37 (hg19) VCF-style: chr6-7580285-A-C.
Other names: p.K1288Q:AAG>CAG; c.3862A>C, p.Lys1288Gln (NM_001319034.2); c.3582+280A>C (NM_001008844.3); short protein forms K1288Q.
Identifiers: ClinVar variation 178030 (VCV000178030.55), dbSNP rs138907450, ClinGen allele CA004279.